The following is an entry in ClinVar:

NM_206933.4(USH2A):c.1971G>C (p.Gln657His)

Gene: USH2A (usherin; minus strand). Cytogenetic location: 1q41.
Variant type: single nucleotide variant.
Coding change: c.1971G>C on transcript NM_206933.4 (MANE Select); coding-DNA position 1971, G replaced by C.
Protein change: p.Gln657His; replaces glutamine 657 with histidine.
Molecular consequence: missense variant.
Genome position (GRCh38, 1-based): chr1:216,289,280, C>G on the plus strand (G>C on the coding strand, the complement: USH2A is on the minus strand). VCF-style: chr1-216289280-C-G. GRCh37 (hg19) VCF-style: chr1-216462622-C-G.
Other names: c.1971G>C, p.Gln657His (NM_007123.6); short protein forms Q657H.
Identifiers: ClinVar variation 2008041 (VCV002008041.2), dbSNP rs756567792, ClinGen allele CA1396349.
Genomic context (GRCh38, chr1:216,289,280, plus strand): 5'-TCCAAATAAGTTTCTGGCAGACAGAGTAATCCTTTACCTTAAATACTCAGAAAAACTCAC[C>G]TGATCACAAAGAATGCTACCATTTCTAGTGCCAACTGTATCACAGTCACAGGGTTTGCAA-3'
Protein context (NP_996816.3, residues 647-667): GTRNGSILCD[Gln657His]IGGQCNCKRH

ClinVar aggregate classification (germline): Uncertain significance (1 of 4 stars; one submission).

Allele frequency attached by ClinVar (database versions not stated): gnomAD exomes below 0.00001; ExAC 0.00001.
gnomAD v4.1: 2 of 1,613,784 alleles (0.00012%); highest among the groups gnomAD compares: Admixed American, 0.0033%; no homozygotes.

Submission:

Labcorp Genetics (formerly Invitae), Labcorp
Classification: Uncertain significance. Last evaluated: 2025-01-27. Review status: criteria provided, single submitter. Criteria: Invitae Variant Classification Sherloc (09022015). Collection method: clinical testing. Allele origin: germline.
Comment: This sequence change replaces glutamine, which is neutral and polar, with histidine, which is basic and polar, at codon 657 of the USH2A protein (p.Gln657His). This variant also falls at the last nucleotide of exon 11, which is part of the consensus splice site for this exon. This variant is present in population databases (rs756567792, gnomAD 0.006%). This variant has not been reported in the literature in individuals affected with USH2A-related conditions. ClinVar contains an entry for this variant (Variation ID: 2008041). An algorithm developed to predict the effect of missense changes on protein structure and function (PolyPhen-2) suggests that this variant is likely to be disruptive. Variants that disrupt the consensus splice site are a relatively common cause of aberrant splicing (PMID: 17576681, 9536098). Algorithms developed to predict the effect of sequence changes on RNA splicing suggest that this variant may disrupt the consensus splice site. In summary, the available evidence is currently insufficient to determine the role of this variant in disease. Therefore, it has been classified as a Variant of Uncertain Significance.

Literature cited by the submitters: PubMed 17576681; PubMed 9536098.